The following is an entry in ClinVar:

NM_014804.3(KIAA0753):c.1805G>A (p.Gly602Asp)

Gene: KIAA0753 (KIAA0753; minus strand). Cytogenetic location: 17p13.1.
Variant type: single nucleotide variant.
Coding change: c.1805G>A on transcript NM_014804.3 (MANE Select); coding-DNA position 1805, G replaced by A.
Protein change: p.Gly602Asp; replaces glycine 602 with aspartic acid.
Molecular consequence: missense variant. On other transcripts: non-coding transcript variant (3).
Genome position (GRCh38, 1-based): chr17:6,608,372, C>T on the plus strand (G>A on the coding strand, the complement: KIAA0753 is on the minus strand). VCF-style: chr17-6608372-C-T. GRCh37 (hg19) VCF-style: chr17-6511692-C-T.
Other names: c.908G>A, p.Gly303Asp (NM_001351225.2); short protein forms G602D, G303D.
Identifiers: ClinVar variation 1502259 (VCV001502259.5), dbSNP rs777689887, ClinGen allele CA8330375.
Genomic context (GRCh38, chr17:6,608,372, plus strand): 5'-TTAATTCTCAAAGATCTGAAAAATACCAGCACAAACCTGGCTGCTTCATGCTCAACAGCA[C>T]CTGTCAGGTGACTTTCCTCTTGAGGATCTTCTTGCTGGAGAGGCTCTTTTGTGGCATCTC-3'
Protein context (NP_055619.2, residues 592-612): EDPQEESHLT[Gly602Asp]AVEHEAARLA

ClinVar aggregate classification (germline): Uncertain significance (1 of 4 stars; one submission).

Allele frequency attached by ClinVar (database versions not stated): gnomAD 0.00001; gnomAD exomes 0.00001; TOPMed 0.00001; ExAC 0.00002.
gnomAD v4.1: 16 of 1,543,256 alleles (0.001%); highest among the groups gnomAD compares: Middle Eastern, 0.069%; no homozygotes.

Submission:

Labcorp Genetics (formerly Invitae), Labcorp
Classification: Uncertain significance. Last evaluated: 2025-09-15. Review status: criteria provided, single submitter. Criteria: Invitae Variant Classification Sherloc (09022015). Collection method: clinical testing. Allele origin: germline.
Comment: This sequence change replaces glycine, which is neutral and non-polar, with aspartic acid, which is acidic and polar, at codon 602 of the KIAA0753 protein (p.Gly602Asp). This variant is present in population databases (rs777689887, gnomAD 0.004%). This variant has not been reported in the literature in individuals affected with KIAA0753-related conditions. ClinVar contains an entry for this variant (Variation ID: 1502259). An algorithm developed to predict the effect of missense changes on protein structure and function outputs the following: PolyPhen-2: "Benign". The aspartic acid amino acid residue is found in multiple mammalian species, which suggests that this missense change does not adversely affect protein function. In summary, the available evidence is currently insufficient to determine the role of this variant in disease. Therefore, it has been classified as a Variant of Uncertain Significance.